The following is an entry in ClinVar:

ClinVar aggregate classification (germline): Conflicting classifications of pathogenicity. Review status: criteria provided, conflicting classifications (1 of 4 stars). 5 submissions from 5 submitters: Uncertain significance (2); Likely benign (1). 2 of the submissions do not count toward it. Last evaluated 2026-02-02.

Conditions:
ACOX1-related disorder. Also called: ACOX1-related disorders; ACOX1-related condition.
Inborn genetic diseases. Identifiers: MedGen C0950123, MeSH D030342.
Acyl-CoA oxidase deficiency. Also called: Pseudoneonatal adrenoleukodystrophy; Peroxisomal acyl-CoA oxidase deficiency; STRAIGHT-CHAIN ACYL-CoA OXIDASE DEFICIENCY. Identifiers: Orphanet 2971, MedGen C1849678, MONDO:0009919, OMIM 264470. Disease mechanism: loss of function.

Allele frequency attached by ClinVar (database versions not stated): ESP Exome Variant Server 0.00015; gnomAD 0.00019 and 0.00020; gnomAD exomes 0.00025 and 0.00027; TOPMed 0.00025; ExAC 0.00026.
gnomAD v4.1: 405 of 1,613,970 alleles (0.025%); highest among the groups gnomAD compares: Non-Finnish European, 0.024%; 1 homozygote.

Submissions (5):

Labcorp Genetics (formerly Invitae), Labcorp
Classification: Likely benign for Acyl-CoA oxidase deficiency. Last evaluated: 2026-02-02. Review status: criteria provided, single submitter. Criteria: Invitae Variant Classification Sherloc (09022015). Collection method: clinical testing. Allele origin: germline.

Ambry Genetics
Classification: Uncertain significance for Inborn genetic diseases. Last evaluated: 2021-08-12. Review status: criteria provided, single submitter. Criteria: Ambry Variant Classification Scheme 2023. Collection method: clinical testing. Allele origin: germline.

Illumina Laboratory Services, Illumina
Classification: Uncertain significance for Acyl-CoA oxidase deficiency. Last evaluated: 2017-04-27. Review status: criteria provided, single submitter. Criteria: ICSL Variant Classification Criteria 13 December 2019. Collection method: clinical testing. Allele origin: germline.

PreventionGenetics, part of Exact Sciences
Classification: Likely benign for ACOX1-related condition. Last evaluated: 2024-09-04. Review status: no assertion criteria provided. Collection method: clinical testing. Allele origin: germline. Not counted in ClinVar's aggregate classification.
Comment: This variant is classified as likely benign based on ACMG/AMP sequence variant interpretation guidelines (Richards et al. 2015 PMID: 25741868, with internal and published modifications).

Natera, Inc.
Classification: Likely benign for Peroxisomal acyl-CoA oxidase deficiency. Last evaluated: 2020-01-21. Review status: no assertion criteria provided. Collection method: clinical testing. Allele origin: germline. Not counted in ClinVar's aggregate classification.

NM_004035.7(ACOX1):c.574C>A (p.Gln192Lys)

Gene: ACOX1 (acyl-CoA oxidase 1; minus strand). Cytogenetic location: 17q25.1.
Variant type: single nucleotide variant.
Coding change: c.574C>A on transcript NM_004035.7 (MANE Select); coding-DNA position 574, C replaced by A.
Protein change: p.Gln192Lys; replaces glutamine 192 with lysine.
Molecular consequence: missense variant.
Genome position (GRCh38, 1-based): chr17:75,955,912, G>T on the plus strand (C>A on the coding strand, the complement: ACOX1 is on the minus strand). VCF-style: chr17-75955912-G-T. GRCh37 (hg19) VCF-style: chr17-73951993-G-T.
Other names: c.460C>A, p.Gln154Lys (NM_001185039.2); c.574C>A, p.Gln192Lys (NM_007292.6); short protein forms Q154K, Q192K.
Identifiers: ClinVar variation 788253 (VCV000788253.22), dbSNP rs200833797, ClinGen allele CA8776982.